The following is an entry in ClinVar:

ClinVar aggregate classification (germline): Uncertain significance (1 of 4 stars; one submission).

Conditions:
Cardiomyopathy (CMYO). Also called: Cardiomyopathies. Identifiers: Orphanet 167848, MedGen C0878544, MONDO:0004994, HP:0001638. Inheritance: Various modes of inheritance.

Submission:

Color Diagnostics, LLC DBA Color Health
Classification: Uncertain significance for Cardiomyopathy. Last evaluated: 2025-09-08. Review status: criteria provided, single submitter. Criteria: ACMG Guidelines, 2015. Collection method: clinical testing. Allele origin: germline.
Comment: This missense variant replaces serine with isoleucine at codon 509 of the RYR2 protein. Computational prediction is inconclusive regarding the impact of this variant on protein structure and function. To our knowledge, functional studies have not been reported for this variant. This variant has not been reported in individuals affected with RYR2-related disorders in the literature. This variant has not been identified in the general population by the Genome Aggregation Database (gnomAD). The available evidence is insufficient to determine the role of this variant in disease conclusively. Therefore, this variant is classified as a Variant of Uncertain Significance.

NM_001035.3(RYR2):c.1526G>T (p.Ser509Ile)

Gene: RYR2 (ryanodine receptor 2; plus strand). Cytogenetic location: 1q43.
Variant type: single nucleotide variant.
Coding change: c.1526G>T on transcript NM_001035.3 (MANE Select); coding-DNA position 1526, G replaced by T.
Protein change: p.Ser509Ile; replaces serine 509 with isoleucine.
Molecular consequence: missense variant.
Genome position (GRCh38, 1-based): chr1:237,456,649, G>T. VCF-style: chr1-237456649-G-T. GRCh37 (hg19) VCF-style: chr1-237619949-G-T.
Other names: short protein forms S509I.
Identifiers: ClinVar variation 4756520 (VCV004756520.1).